The following is an entry in ClinVar:

ClinVar aggregate classification (germline): Likely benign (1 of 4 stars; one submission).

gnomAD v4.1: 47 of 1,614,202 alleles (0.0029%); highest among the groups gnomAD compares: East Asian, 0.096%; no homozygotes.

Submission:

Mayo Clinic Laboratories, Mayo Clinic
Classification: Likely benign. Last evaluated: 2025-11-01. Review status: criteria provided, single submitter. Criteria: ACMG Guidelines, 2015. Collection method: clinical testing. Allele origin: germline. Observed: 1 variant allele.
Comment: BS1, BP4, BP7

NM_020821.3(VPS13C):c.6459T>C (p.Asp2153=)

Gene: VPS13C (vacuolar protein sorting 13 homolog C; minus strand). Cytogenetic location: 15q22.2.
Variant type: single nucleotide variant.
Coding change: c.6459T>C on transcript NM_020821.3 (MANE Select); coding-DNA position 6459, T replaced by C.
Protein change: p.Asp2153=; no amino-acid change (aspartic acid 2153 retained).
Molecular consequence: synonymous variant.
Genome position (GRCh38, 1-based): chr15:61,927,148, A>G on the plus strand (T>C on the coding strand, the complement: VPS13C is on the minus strand). VCF-style: chr15-61927148-A-G. GRCh37 (hg19) VCF-style: chr15-62219347-A-G.
Other names: p.Asp2153=; c.6459T>C, p.Asp2153= (NM_001018088.3); c.6330T>C, p.Asp2110= (NM_017684.5, NM_018080.4).
Identifiers: ClinVar variation 4683994 (VCV004683994.1).